The following is an entry in ClinVar:

NM_007294.4(BRCA1):c.5478_5490del (p.Gln1826fs)

Gene: BRCA1 (BRCA1 DNA repair associated; minus strand). Cytogenetic location: 17q21.31.
Variant type: Deletion.
Coding change: c.5478_5490del on transcript NM_007294.4 (MANE Select); coding-DNA positions 5478 to 5490, 13 bases deleted (GATGTGTGAGGCA).
Protein change: p.Gln1826fs; shifts the reading frame from glutamine 1826.
Molecular consequence: frameshift variant. On other transcripts: non-coding transcript variant (1).
Genome position (GRCh38, 1-based): chr17:43,045,780-43,045,792, TGCCTCACACATC deleted on the plus strand (GATGTGTGAGGCA on the coding strand, the reverse complement: BRCA1 is on the minus strand); deleting any 13 consecutive bases within chr17:43,045,780-43,045,796 gives the same sequence; the c. name uses the placement nearest the transcript's 3' end. VCF-style (leftmost placement, unchanged base first): chr17-43045779-GTGCCTCACACATC-G. GRCh37 (hg19) VCF-style: chr17-41197796-GTGCCTCACACATC-G.
Other names: c.5261_5273delGGCAGATGTGTGA, p.Gln1755Hisfs (NM_001407571.1, NM_001407894.1, NM_001407895.1 and 12 more transcripts); c.5540_5552delGGCAGATGTGTGA, p.Gln1848Hisfs (NM_001407581.1, NM_001407582.1); c.5537_5549delGGCAGATGTGTGA, p.Gln1847Hisfs (NM_001407583.1, NM_001407585.1, NM_001407587.1); c.5534_5546delGGCAGATGTGTGA, p.Gln1846Hisfs (NM_001407590.1, NM_001407591.1); c.5474_5486delGGCAGATGTGTGA, p.Gln1826Hisfs (NM_001407593.1, NM_001407594.1, NM_001407596.1 and 5 more transcripts); c.5471_5483delGGCAGATGTGTGA, p.Gln1825Hisfs (NM_001407610.1, NM_001407611.1, NM_001407612.1 and 14 more transcripts); c.5468_5480delGGCAGATGTGTGA, p.Gln1824Hisfs (NM_001407627.1, NM_001407628.1, NM_001407629.1 and 13 more transcripts); c.5465_5477delGGCAGATGTGTGA, p.Gln1823Hisfs (NM_001407644.1, NM_001407645.1); and 86 more; short protein forms D698fs, Q1779fs, Q1826fs, Q1847fs, Q722fs.
Identifiers: ClinVar variation 2431321 (VCV002431321.1), dbSNP rs2546076440, ClinGen allele CA2580093923.

ClinVar aggregate classification (germline): Pathogenic (1 of 4 stars; one submission).

Conditions:
Breast-ovarian cancer, familial, susceptibility to, 1 (BROVCA1). Also called: BRCA1 Hereditary Breast and Ovarian Cancer; OVARIAN CANCER, SUSCEPTIBILITY TO. Identifiers: Orphanet 145, MedGen C2676676, MONDO:0011450, OMIM 604370. Disease mechanism: loss of function.

Submission:

Myriad Genetics, Inc.
Classification: Pathogenic for Breast-ovarian cancer, familial, susceptibility to, 1. Last evaluated: 2023-01-17. Review status: criteria provided, single submitter. Criteria: Myriad Autosomal Dominant, Autosomal Recessive and X-Linked Classification Criteria (2023). Collection method: clinical testing. Allele origin: unknown.
Comment: This variant is considered pathogenic. This variant creates a frameshift predicted to result in premature protein truncation.